The following is an entry in ClinVar:

ClinVar aggregate classification (germline): Uncertain significance (1 of 4 stars; one submission).

Allele frequency attached by ClinVar (database versions not stated): gnomAD 0.00003; ExAC 0.00005; TOPMed 0.00006; ESP Exome Variant Server 0.00015.
gnomAD v4.1: 34 of 1,613,892 alleles (0.0021%); highest among the groups gnomAD compares: African/African-American, 0.023%; 1 homozygote.

Submission:

Labcorp Genetics (formerly Invitae), Labcorp
Classification: Uncertain significance. Last evaluated: 2022-07-06. Review status: criteria provided, single submitter. Criteria: Invitae Variant Classification Sherloc (09022015). Collection method: clinical testing. Allele origin: germline.
Comment: This sequence change replaces glycine, which is neutral and non-polar, with serine, which is neutral and polar, at codon 498 of the TSPEAR protein (p.Gly498Ser). The frequency data for this variant in the population databases is considered unreliable, as metrics indicate poor data quality at this position in the gnomAD database. This variant has not been reported in the literature in individuals affected with TSPEAR-related conditions. Algorithms developed to predict the effect of missense changes on protein structure and function (SIFT, PolyPhen-2, Align-GVGD) all suggest that this variant is likely to be disruptive. Algorithms developed to predict the effect of sequence changes on RNA splicing suggest that this variant may create or strengthen a splice site. In summary, the available evidence is currently insufficient to determine the role of this variant in disease. Therefore, it has been classified as a Variant of Uncertain Significance.

NM_144991.3(TSPEAR):c.1492G>A (p.Gly498Ser)

Gene: TSPEAR (thrombospondin type laminin G domain and EAR repeats; minus strand). Cytogenetic location: 21q22.3.
Variant type: single nucleotide variant.
Coding change: c.1492G>A on transcript NM_144991.3 (MANE Select); coding-DNA position 1492, G replaced by A.
Protein change: p.Gly498Ser; replaces glycine 498 with serine.
Molecular consequence: missense variant.
Genome position (GRCh38, 1-based): chr21:44,521,957, C>T on the plus strand (G>A on the coding strand, the complement: TSPEAR is on the minus strand). VCF-style: chr21-44521957-C-T. GRCh37 (hg19) VCF-style: chr21-45941840-C-T.
Other names: c.1288G>A, p.Gly430Ser (NM_001272037.2); short protein forms G430S, G498S.
Identifiers: ClinVar variation 2176453 (VCV002176453.4), dbSNP rs146525613, ClinGen allele CA10056559.